The following is an entry in ClinVar:

ClinVar aggregate classification (germline): Likely benign (1 of 4 stars; one submission).

Allele frequency attached by ClinVar (database versions not stated): gnomAD 0.00001 and 0.00003; TOPMed 0.00002; gnomAD exomes 0.00006.

Submission:

CeGaT Center for Human Genetics Tuebingen
Classification: Likely benign. Last evaluated: 2025-02-01. Review status: criteria provided, single submitter. Criteria: CeGaT Center For Human Genetics Tuebingen Variant Classification Criteria Version 2. Collection method: clinical testing. Allele origin: germline. Affected: yes. Observed: 3 variant alleles.
Comment: CIC: BP4, BP7

NM_001386298.1(CIC):c.1302C>T (p.Pro434=)

Gene: CIC (capicua transcriptional repressor; plus strand). Cytogenetic location: 19q13.2.
Variant type: single nucleotide variant.
Coding change: c.1302C>T on transcript NM_001386298.1 (MANE Select); coding-DNA position 1302, C replaced by T.
Protein change: p.Pro434=; no amino-acid change (proline 434 retained).
Molecular consequence: synonymous variant.
Genome position (GRCh38, 1-based): chr19:42,273,085, C>T. VCF-style: chr19-42273085-C-T. GRCh37 (hg19) VCF-style: chr19-42777237-C-T.
Other names: c.1302C>T, p.Pro434= (NM_001304815.2, NM_001379480.1, NM_001379482.1).
Identifiers: ClinVar variation 1335348 (VCV001335348.35), dbSNP rs886819619, ClinGen allele CA308615118.
Genomic context (GRCh38, chr19:42,273,085, plus strand): 5'-CCCACTGCCCCCACCCCAGCTCCTGTCACCACCACCCAAGTCTCCAGCCTTTGTGGGCCC[C>T]GGCCGCCCTGGCGAGCAGCCCTCGCCCTGCCAGGAGGGGAGCCAGGGCGGCAGCCGCAGC-3'
Protein context (NP_001373227.1, residues 424-444): PPPKSPAFVG[Pro434=]GRPGEQPSPC